The following is an entry in ClinVar:

NM_006231.4(POLE):c.4267A>T (p.Ile1423Phe)

Gene: POLE (DNA polymerase epsilon, catalytic subunit; minus strand). Cytogenetic location: 12q24.33.
Variant type: single nucleotide variant.
Coding change: c.4267A>T on transcript NM_006231.4 (MANE Select); coding-DNA position 4267, A replaced by T.
Protein change: p.Ile1423Phe; replaces isoleucine 1423 with phenylalanine.
Molecular consequence: missense variant.
Genome position (GRCh38, 1-based): chr12:132,643,860, T>A on the plus strand (A>T on the coding strand, the complement: POLE is on the minus strand). VCF-style: chr12-132643860-T-A. GRCh37 (hg19) VCF-style: chr12-133220446-T-A.
Other names: short protein forms I1423F.
Identifiers: ClinVar variation 3720265 (VCV003720265.2).
Genomic context (GRCh38, chr12:132,643,860, plus strand): 5'-CCTCCCCCAGTTCAGTCGAGGGTGGCTGGGGAGTCACCTGAGTCTCATATACGCCCTCGA[T>A]GTCTGGCGCTGACAGCTCAGCGTTGATCTCGTTGATGTGTTCCTGGTACATGTCCTCTGG-3'
Protein context (NP_006222.2, residues 1413-1433): EINAELSAPD[Ile1423Phe]EGVYETQVPL

ClinVar aggregate classification (germline): Uncertain significance (1 of 4 stars; one submission).

gnomAD v4.1: 3 of 1,614,162 alleles (0.00019%); highest among the groups gnomAD compares: Non-Finnish European, 0.00025%; no homozygotes.

Submission:

Labcorp Genetics (formerly Invitae), Labcorp
Classification: Uncertain significance. Last evaluated: 2025-10-27. Review status: criteria provided, single submitter. Criteria: Invitae Variant Classification Sherloc (09022015). Collection method: clinical testing. Allele origin: germline.
Comment: This sequence change replaces isoleucine, which is neutral and non-polar, with phenylalanine, which is neutral and non-polar, at codon 1423 of the POLE protein (p.Ile1423Phe). This variant is present in population databases (no rsID available, gnomAD 0.0009%). This variant has not been reported in the literature in individuals affected with POLE-related conditions. ClinVar contains an entry for this variant (Variation ID: 3720265). Invitae Evidence Modeling of protein sequence and biophysical properties (such as structural, functional, and spatial information, amino acid conservation, physicochemical variation, residue mobility, and thermodynamic stability) indicates that this missense variant is expected to disrupt POLE protein function with a positive predictive value of 80%. In summary, the available evidence is currently insufficient to determine the role of this variant in disease. Therefore, it has been classified as a Variant of Uncertain Significance.